The following is an entry in ClinVar:

NM_000074.3(CD40LG):c.594dup (p.Gly199fs)

Gene: CD40LG (CD40 ligand; plus strand). Cytogenetic location: Xq26.3.
Variant type: Duplication.
Coding change: c.594dup on transcript NM_000074.3 (MANE Select); coding-DNA position 594, one base duplicated (C; older notation c.594dupC).
Protein change: p.Gly199fs; shifts the reading frame from glycine 199.
Molecular consequence: frameshift variant.
Genome position (GRCh38, 1-based): chrX:136,659,223, C duplicated; the last of 5 consecutive C bases (chrX:136,659,219-136,659,223); duplicating any one gives the same sequence. VCF-style (leftmost placement, unchanged base first): chrX-136659218-T-TC. GRCh37 (hg19) VCF-style: chrX-135741377-T-TC.
Other names: short protein forms G199fs.
Identifiers: ClinVar variation 2912969 (VCV002912969.3), dbSNP rs2522118161, ClinGen allele CA2695236786.

ClinVar aggregate classification (germline): Pathogenic (1 of 4 stars; one submission).

Conditions:
Hyper-IgM syndrome type 1. Also called: CD40 Ligand Deficiency; X-linked hyper-IgM syndrome; Immunodeficiency, X-linked, with hyper-IgM; Hyper-IgM Immunodeficiency Syndrome, Type 1. Identifiers: Orphanet 101088, MedGen C0398689, MONDO:0010626, OMIM 308230.

Submission:

Labcorp Genetics (formerly Invitae), Labcorp
Classification: Pathogenic for Hyper-IgM syndrome type 1. Last evaluated: 2025-06-03. Review status: criteria provided, single submitter. Criteria: Invitae Variant Classification Sherloc (09022015). Collection method: clinical testing. Allele origin: germline.
Comment: This sequence change creates a premature translational stop signal (p.Gly199Argfs*2) in the CD40LG gene. While this is not anticipated to result in nonsense mediated decay, it is expected to disrupt the last 63 amino acid(s) of the CD40LG protein. This variant is not present in population databases (gnomAD no frequency). This variant has not been reported in the literature in individuals affected with CD40LG-related conditions. ClinVar contains an entry for this variant (Variation ID: 2912969). This variant disrupts a region of the CD40LG protein in which other variant(s) (p.Gln232*) have been determined to be pathogenic (PMID: 8550833, 18805740). This suggests that this is a clinically significant region of the protein, and that variants that disrupt it are likely to be disease-causing. For these reasons, this variant has been classified as Pathogenic.

Literature cited by the submitters: PubMed 8550833; PubMed 18805740.